The following is an entry in ClinVar:

NM_032608.7(MYO18B):c.5259+4C>T

Gene: MYO18B (myosin XVIIIB; plus strand). Cytogenetic location: 22q12.1.
Variant type: single nucleotide variant.
Coding change: c.5259+4C>T on transcript NM_032608.7 (MANE Select); 4 bases into the intron after coding-DNA position 5259, C replaced by T.
Molecular consequence: intron variant.
Genome position (GRCh38, 1-based): chr22:25,908,436, C>T. VCF-style: chr22-25908436-C-T. GRCh37 (hg19) VCF-style: chr22-26304403-C-T.
Other names: c.5262+4C>T (NM_001318245.2).
Identifiers: ClinVar variation 1443504 (VCV001443504.3), dbSNP rs749027793, ClinGen allele CA10161114.

ClinVar aggregate classification (germline): Uncertain significance (1 of 4 stars; one submission).

Allele frequency attached by ClinVar (database versions not stated): gnomAD 0.00002 and 0.00004; gnomAD exomes 0.00004 and 0.00009; TOPMed 0.00004; ExAC 0.00011.
gnomAD v4.1: 69 of 1,575,538 alleles (0.0044%); highest among the groups gnomAD compares: South Asian, 0.055%; 1 homozygote.

Submission:

Labcorp Genetics (formerly Invitae), Labcorp
Classification: Uncertain significance. Last evaluated: 2022-07-11. Review status: criteria provided, single submitter. Criteria: Invitae Variant Classification Sherloc (09022015). Collection method: clinical testing. Allele origin: germline.
Comment: This sequence change falls in intron 32 of the MYO18B gene. It does not directly change the encoded amino acid sequence of the MYO18B protein. It affects a nucleotide within the consensus splice site. This variant is present in population databases (rs749027793, gnomAD 0.06%). This variant has not been reported in the literature in individuals affected with MYO18B-related conditions. ClinVar contains an entry for this variant (Variation ID: 1443504). Variants that disrupt the consensus splice site are a relatively common cause of aberrant splicing (PMID: 17576681, 9536098). Algorithms developed to predict the effect of sequence changes on RNA splicing suggest that this variant is not likely to affect RNA splicing. In summary, the available evidence is currently insufficient to determine the role of this variant in disease. Therefore, it has been classified as a Variant of Uncertain Significance.

Literature cited by the submitters: PubMed 17576681; PubMed 9536098.